The following is an entry in ClinVar:

ClinVar aggregate classification (germline): Uncertain significance. Review status: criteria provided, multiple submitters, no conflicts (2 of 4 stars). 3 submissions from 3 submitters: Uncertain significance (3). Last evaluated 2024-10-24.

Conditions:
Rhabdoid tumor predisposition syndrome 2 (RTPS2). Identifiers: Orphanet 231108, Orphanet 69077, MedGen C2750074, MONDO:0013224, OMIM 613325.
Otosclerosis 12. Identifiers: MedGen C5935610, MONDO:0968980, OMIM 620792.
Intellectual disability, autosomal dominant 16 (CSS4). Also called: COFFIN-SIRIS SYNDROME 4. Identifiers: Orphanet 1465, MedGen C3553249, MONDO:0013821, OMIM 614609.
Hereditary cancer-predisposing syndrome. Also called: Tumor predisposition; Hereditary neoplastic syndrome; Neoplastic Syndromes, Hereditary; Hereditary Cancer Syndrome. Identifiers: Orphanet 140162, MedGen C0027672, MeSH D009386, MONDO:0015356.

gnomAD v4.1: 2 of 1,551,136 alleles (0.00013%); highest among the groups gnomAD compares: Non-Finnish European, 0.00017%; no homozygotes.

Submissions (3):

Labcorp Genetics (formerly Invitae), Labcorp
Classification: Uncertain significance for Rhabdoid tumor predisposition syndrome 2. Last evaluated: 2024-10-24. Review status: criteria provided, single submitter. Criteria: Invitae Variant Classification Sherloc (09022015). Collection method: clinical testing. Allele origin: germline.
Comment: This sequence change replaces aspartic acid, which is acidic and polar, with glutamic acid, which is acidic and polar, at codon 1662 of the SMARCA4 protein (p.Asp1662Glu). This variant is not present in population databases (gnomAD no frequency). This variant has not been reported in the literature in individuals affected with SMARCA4-related conditions. ClinVar contains an entry for this variant (Variation ID: 1011279). Invitae Evidence Modeling of protein sequence and biophysical properties (such as structural, functional, and spatial information, amino acid conservation, physicochemical variation, residue mobility, and thermodynamic stability) indicates that this missense variant is not expected to disrupt SMARCA4 protein function with a negative predictive value of 95%. In summary, the available evidence is currently insufficient to determine the role of this variant in disease. Therefore, it has been classified as a Variant of Uncertain Significance.

Ambry Genetics
Classification: Uncertain significance for Hereditary cancer-predisposing syndrome. Last evaluated: 2024-06-28. Review status: criteria provided, single submitter. Criteria: Ambry Variant Classification Scheme 2023. Collection method: clinical testing. Allele origin: germline.
Comment: The p.D1662E variant (also known as c.4986C>G), located in coding exon 34 of the SMARCA4 gene, results from a C to G substitution at nucleotide position 4986. The aspartic acid at codon 1662 is replaced by glutamic acid, an amino acid with highly similar properties. This amino acid position is highly conserved in available vertebrate species. In addition, this alteration is predicted to be tolerated by in silico analysis. Missense and in-frame variants in SMARCA4 are known to cause neurodevelopmental disorders; however, such associations with rhabdoid tumor predisposition syndrome including small cell carcinoma of the ovary-hypercalcemic type (SCCOHT) are exceedingly rare (Kosho T et al. Am J Med Genet C Semin Med Genet. 2014 Sep;166C(3):262-75; Jelinic P et al. Nat Genet. 2014 May;46(5):424-6). Based on the supporting evidence, the association of this alteration with Coffin-Siris syndrome is unknown; however, the association of this alteration with rhabdoid tumor predisposition syndrome is unlikely.

Fulgent Genetics
Classification: Uncertain significance for Rhabdoid tumor predisposition syndrome 2; Intellectual disability, autosomal dominant 16; Otosclerosis 12. Last evaluated: 2024-06-18. Review status: criteria provided, single submitter. Criteria: ACMG Guidelines, 2015. Collection method: clinical testing. Allele origin: germline.

NM_003072.5(SMARCA4):c.4890C>G (p.Asp1630Glu)

Gene: SMARCA4 (SWI/SNF related BAF chromatin remodeling complex subunit ATPase 4; plus strand). Cytogenetic location: 19p13.2.
Variant type: single nucleotide variant.
Coding change: c.4890C>G on transcript NM_003072.5 (MANE Select); coding-DNA position 4890, C replaced by G.
Protein change: p.Asp1630Glu; replaces aspartic acid 1630 with glutamic acid.
Molecular consequence: missense variant. On other transcripts: non-coding transcript variant (1).
Genome position (GRCh38, 1-based): chr19:11,060,166, C>G. VCF-style: chr19-11060166-C-G. GRCh37 (hg19) VCF-style: chr19-11170842-C-G.
Other names: c.4890C>G, p.Asp1630Glu (NM_001128844.3); c.4800C>G, p.Asp1600Glu (NM_001128845.2); c.4797C>G, p.Asp1599Glu (NM_001128846.2); c.4791C>G, p.Asp1597Glu (NM_001128847.4, NM_001374457.1); c.4788C>G, p.Asp1596Glu (NM_001128848.2); c.4986C>G, p.Asp1662Glu (NM_001128849.3); c.4986C>G (NM_001128849.1, NM_001128849.2); short protein forms D1596E, D1597E, D1599E, D1600E, D1630E, D1662E.
Identifiers: ClinVar variation 1011279 (VCV001011279.14), dbSNP rs918621161, ClinGen allele CA305298967.